The following is an entry in ClinVar:

ClinVar aggregate classification (germline): Uncertain significance (1 of 4 stars; one submission).

Allele frequency attached by ClinVar (database versions not stated): gnomAD exomes below 0.00001 and 0.00002.
gnomAD v4.1: 31 of 1,608,558 alleles (0.0019%); highest among the groups gnomAD compares: Non-Finnish European, 0.0026%; no homozygotes.

Submission:

Labcorp Genetics (formerly Invitae), Labcorp
Classification: Uncertain significance. Last evaluated: 2022-07-26. Review status: criteria provided, single submitter. Criteria: Invitae Variant Classification Sherloc (09022015). Collection method: clinical testing. Allele origin: germline.
Comment: In summary, the available evidence is currently insufficient to determine the role of this variant in disease. Therefore, it has been classified as a Variant of Uncertain Significance. Algorithms developed to predict the effect of missense changes on protein structure and function (SIFT, PolyPhen-2, Align-GVGD) all suggest that this variant is likely to be disruptive. ClinVar contains an entry for this variant (Variation ID: 1497199). This variant has not been reported in the literature in individuals affected with MERTK-related conditions. The frequency data for this variant in the population databases is considered unreliable, as metrics indicate poor data quality at this position in the gnomAD database. This sequence change replaces alanine, which is neutral and non-polar, with glutamic acid, which is acidic and polar, at codon 773 of the MERTK protein (p.Ala773Glu).

NM_006343.3(MERTK):c.2318C>A (p.Ala773Glu)

Gene: MERTK (MER proto-oncogene, tyrosine kinase; plus strand). Cytogenetic location: 2q13.
Variant type: single nucleotide variant.
Coding change: c.2318C>A on transcript NM_006343.3 (MANE Select); coding-DNA position 2318, C replaced by A.
Protein change: p.Ala773Glu; replaces alanine 773 with glutamic acid.
Molecular consequence: missense variant.
Genome position (GRCh38, 1-based): chr2:112,021,550, C>A. VCF-style: chr2-112021550-C-A. GRCh37 (hg19) VCF-style: chr2-112779127-C-A.
Other names: short protein forms A773E.
Identifiers: ClinVar variation 1497199 (VCV001497199.8), dbSNP rs1558810870, ClinGen allele CA348239412.